The following is an entry in ClinVar:

ClinVar aggregate classification (germline): Uncertain significance. Review status: criteria provided, multiple submitters, no conflicts (2 of 4 stars). 2 submissions from 2 submitters: Uncertain significance (2). Last evaluated 2024-09-27.

Conditions:
Amyotrophic lateral sclerosis type 8 (ALS8). Identifiers: Orphanet 803, MedGen C1837728, MONDO:0012077, OMIM 608627.
Adult-onset proximal spinal muscular atrophy, autosomal dominant. Also called: FINKEL LATE-ADULT TYPE SMA; Spinal muscular atrophy, late-onset, finkel type. Identifiers: Orphanet 209335, MedGen C1854058, MONDO:0008453, OMIM 182980.

gnomAD v4.1: 1 of 1,614,086 alleles (0.000062%); highest among the groups gnomAD compares: South Asian, 0.0011%; no homozygotes.

Submissions (2):

Labcorp Genetics (formerly Invitae), Labcorp
Classification: Uncertain significance for Adult-onset proximal spinal muscular atrophy, autosomal dominant; Amyotrophic lateral sclerosis type 8. Last evaluated: 2024-09-27. Review status: criteria provided, single submitter. Criteria: Invitae Variant Classification Sherloc (09022015). Collection method: clinical testing. Allele origin: germline.
Comment: This sequence change replaces aspartic acid, which is acidic and polar, with asparagine, which is neutral and polar, at codon 163 of the VAPB protein (p.Asp163Asn). This variant is not present in population databases (gnomAD no frequency). This variant has not been reported in the literature in individuals affected with VAPB-related conditions. Invitae Evidence Modeling of protein sequence and biophysical properties (such as structural, functional, and spatial information, amino acid conservation, physicochemical variation, residue mobility, and thermodynamic stability) indicates that this missense variant is not expected to disrupt VAPB protein function with a negative predictive value of 80%. In summary, the available evidence is currently insufficient to determine the role of this variant in disease. Therefore, it has been classified as a Variant of Uncertain Significance.

GeneDx
Classification: Uncertain significance. Last evaluated: 2024-02-21. Review status: criteria provided, single submitter. Criteria: GeneDx Variant Classification Process June 2021. Collection method: clinical testing. Allele origin: germline. Affected: yes.
Comment: Not observed at significant frequency in large population cohorts (gnomAD); In silico analysis supports that this missense variant has a deleterious effect on protein structure/function; Has not been previously published as pathogenic or benign to our knowledge

NM_004738.5(VAPB):c.487G>A (p.Asp163Asn)

Gene: VAPB (VAMP associated protein B and C; plus strand). Cytogenetic location: 20q13.32.
Variant type: single nucleotide variant.
Coding change: c.487G>A on transcript NM_004738.5 (MANE Select); coding-DNA position 487, G replaced by A.
Protein change: p.Asp163Asn; replaces aspartic acid 163 with asparagine.
Molecular consequence: missense variant. On other transcripts: non-coding transcript variant (1), intron variant (1).
Genome position (GRCh38, 1-based): chr20:58,440,997, G>A. VCF-style: chr20-58440997-G-A. GRCh37 (hg19) VCF-style: chr20-57016053-G-A.
Other names: c.212-3080G>A (NM_001195677.2); short protein forms D163N.
Identifiers: ClinVar variation 3369565 (VCV003369565.3).